The following is an entry in ClinVar:

NM_014283.5(SUCO):c.2566G>A (p.Val856Ile)

Gene: SUCO (SUN domain containing ossification factor; plus strand). Cytogenetic location: 1q24.3.
Variant type: single nucleotide variant.
Coding change: c.2566G>A on transcript NM_014283.5 (MANE Select); coding-DNA position 2566, G replaced by A.
Protein change: p.Val856Ile; replaces valine 856 with isoleucine.
Molecular consequence: missense variant. On other transcripts: intron variant (1).
Genome position (GRCh38, 1-based): chr1:172,589,667, G>A. VCF-style: chr1-172589667-G-A. GRCh37 (hg19) VCF-style: chr1-172558807-G-A.
Other names: c.877G>A, p.Val293Ile (NM_001282751.2); c.3019G>A, p.Val1007Ile (NM_016227.4); c.1712+743G>A (NM_001282750.2); short protein forms V1007I, V293I, V856I.
Identifiers: ClinVar variation 2720989 (VCV002720989.3), dbSNP rs772817222, ClinGen allele CA1247105.

ClinVar aggregate classification (germline): Uncertain significance (1 of 4 stars; one submission).

Allele frequency attached by ClinVar (database versions not stated): gnomAD exomes 0.00001; TOPMed 0.00001; ExAC 0.00001; gnomAD 0.00001.
gnomAD v4.1: 16 of 1,613,754 alleles (0.00099%); highest among the groups gnomAD compares: Middle Eastern, 0.033%; no homozygotes.

Submission:

Labcorp Genetics (formerly Invitae), Labcorp
Classification: Uncertain significance. Last evaluated: 2025-12-01. Review status: criteria provided, single submitter. Criteria: Invitae Variant Classification Sherloc (09022015). Collection method: clinical testing. Allele origin: germline.
Comment: This sequence change replaces valine, which is neutral and non-polar, with isoleucine, which is neutral and non-polar, at codon 856 of the SUCO protein (p.Val856Ile). This variant is present in population databases (rs772817222, gnomAD 0.005%). This variant has not been reported in the literature in individuals affected with SUCO-related conditions. ClinVar contains an entry for this variant (Variation ID: 2720989). An algorithm developed to predict the effect of missense changes on protein structure and function outputs the following: PolyPhen-2: "Benign". The isoleucine amino acid residue is found in multiple mammalian species, which suggests that this missense change does not adversely affect protein function. In summary, the available evidence is currently insufficient to determine the role of this variant in disease. Therefore, it has been classified as a Variant of Uncertain Significance.